The following is an entry in ClinVar:

ClinVar aggregate classification (germline): Conflicting classifications of pathogenicity. Review status: criteria provided, conflicting classifications (1 of 4 stars). 4 submissions from 4 submitters: Uncertain significance (3); Likely benign (1). Last evaluated 2025-11-03.

Conditions:
Inborn genetic diseases. Identifiers: MedGen C0950123, MeSH D030342.

Allele frequency attached by ClinVar (database versions not stated): TOPMed 0.00001.

Submissions (4):

Labcorp Genetics (formerly Invitae), Labcorp
Classification: Likely benign. Last evaluated: 2025-11-03. Review status: criteria provided, single submitter. Criteria: Invitae Variant Classification Sherloc (09022015). Collection method: clinical testing. Allele origin: germline.

GeneDx
Classification: Uncertain significance. Last evaluated: 2025-05-02. Review status: criteria provided, single submitter. Criteria: GeneDx Variant Classification Process June 2021. Collection method: clinical testing. Allele origin: germline. Affected: yes.
Comment: In silico analysis suggests that this missense variant does not alter protein structure/function; Occurs in the triple helical domain at the X position in the canonical Gly-X-Y repeat; although this variant may have an effect on normal protein folding and function, missense substitution at the X position is not a common mechanism of disease; Has not been previously published as pathogenic or benign to our knowledge

Ambry Genetics
Classification: Uncertain significance for Inborn genetic diseases. Last evaluated: 2025-02-07. Review status: criteria provided, single submitter. Criteria: Ambry Variant Classification Scheme 2023. Collection method: clinical testing. Allele origin: germline.

Blueprint Genetics
Classification: Uncertain significance. Last evaluated: 2020-06-11. Review status: criteria provided, single submitter. Criteria: ACMG Guidelines, 2015. Collection method: clinical testing. Allele origin: germline.

NM_080680.3(COL11A2):c.4344C>G (p.Ile1448Met)

Gene: COL11A2 (collagen type XI alpha 2 chain; minus strand). Cytogenetic location: 6p21.32.
Variant type: single nucleotide variant.
Coding change: c.4344C>G on transcript NM_080680.3 (MANE Select); coding-DNA position 4344, C replaced by G.
Protein change: p.Ile1448Met; replaces isoleucine 1448 with methionine.
Molecular consequence: missense variant.
Genome position (GRCh38, 1-based): chr6:33,166,561, G>C on the plus strand (C>G on the coding strand, the complement: COL11A2 is on the minus strand). VCF-style: chr6-33166561-G-C. GRCh37 (hg19) VCF-style: chr6-33134338-G-C.
Other names: c.4023C>G, p.Ile1341Met (NM_080679.3); c.4086C>G, p.Ile1362Met (NM_080681.3); short protein forms I1341M, I1362M, I1448M.
Identifiers: ClinVar variation 1204327 (VCV001204327.16), dbSNP rs554269032, ClinGen allele CA3750123.